The following is an entry in ClinVar:

NM_000038.6(APC):c.3827C>G (p.Ser1276Ter)

Gene: APC (APC regulator of Wnt signaling pathway; plus strand). Cytogenetic location: 5q22.2.
Variant type: single nucleotide variant.
Coding change: c.3827C>G on transcript NM_000038.6 (MANE Select); coding-DNA position 3827, C replaced by G.
Protein change: p.Ser1276Ter; replaces serine 1276 with a stop codon.
Molecular consequence: nonsense.
Genome position (GRCh38, 1-based): chr5:112,839,421, C>G. VCF-style: chr5-112839421-C-G. GRCh37 (hg19) VCF-style: chr5-112175118-C-G.
Other names: c.3743C>G, p.Ser1248Ter (NM_001354899.2); c.3704C>G, p.Ser1235Ter (NM_001354900.2); c.3650C>G, p.Ser1217Ter (NM_001354901.2); c.3554C>G, p.Ser1185Ter (NM_001354902.2); c.3524C>G, p.Ser1175Ter (NM_001354903.2); c.3449C>G, p.Ser1150Ter (NM_001354904.2); c.3347C>G, p.Ser1116Ter (NM_001354905.2); c.2978C>G, p.Ser993Ter (NM_001354906.2); and 5 more; short protein forms S1258*, S1276*, S1185*, S1217*, S1235*, S1248*, S1286*, S1116*.
Identifiers: ClinVar variation 492666 (VCV000492666.19), dbSNP rs1060503299, ClinGen allele CA16029730.

ClinVar aggregate classification (germline): Pathogenic. Review status: criteria provided, multiple submitters, no conflicts (2 of 4 stars). 4 submissions from 4 submitters: Pathogenic (3). 1 of the submissions does not count toward it. Last evaluated 2024-08-12.

Conditions:
Hereditary cancer-predisposing syndrome. Also called: Hereditary neoplastic syndrome; Tumor predisposition; Hereditary Cancer Syndrome; Neoplastic Syndromes, Hereditary. Identifiers: Orphanet 140162, MedGen C0027672, MeSH D009386, MONDO:0015356.
Familial adenomatous polyposis 1 (FAP1). Also called: FAMILIAL ADENOMATOUS POLYPOSIS 1, ATTENUATED; POLYPOSIS, ADENOMATOUS INTESTINAL. Identifiers: MedGen C2713442, MONDO:0021056, OMIM 175100. Disease mechanism: loss of function.

Submissions (4):

Labcorp Genetics (formerly Invitae), Labcorp
Classification: Pathogenic for Familial adenomatous polyposis 1. Last evaluated: 2024-08-12. Review status: criteria provided, single submitter. Criteria: Invitae Variant Classification Sherloc (09022015). Collection method: clinical testing. Allele origin: germline.
Comment: This sequence change creates a premature translational stop signal (p.Ser1276*) in the APC gene. While this is not anticipated to result in nonsense mediated decay, it is expected to disrupt the last 1568 amino acid(s) of the APC protein. This variant is not present in population databases (gnomAD no frequency). This premature translational stop signal has been observed in individual(s) with familial adenomatous polyposis (PMID: 9452101, 10094547, 15108286). ClinVar contains an entry for this variant (Variation ID: 492666). This variant is expected to disrupt the EB1 and HDLG binding sites, which mediate interactions with the cytoskeleton (PMID: 15311282, 17293347). While functional studies have not been performed to directly test the effect on APC protein function, this suggests that disruption of the C-terminal portion of the protein is functionally important. A different truncation (p.Tyr2645Lysfs*14) that lies downstream of this variant has been determined to be pathogenic (PMID: 9824584, 1316610, 27081525, 8381579, 22135120, Invitae). This suggests that deletion of this region of the APC protein is causative of disease. For these reasons, this variant has been classified as Pathogenic.

Myriad Genetics, Inc.
Classification: Pathogenic for Familial adenomatous polyposis 1. Last evaluated: 2023-05-09. Review status: criteria provided, single submitter. Criteria: Myriad Autosomal Dominant, Autosomal Recessive and X-Linked Classification Criteria (2023). Collection method: clinical testing. Allele origin: unknown.
Comment: This variant is considered pathogenic. This variant creates a termination codon and is predicted to result in premature protein truncation.

Ambry Genetics
Classification: Pathogenic for Hereditary cancer-predisposing syndrome. Last evaluated: 2020-02-13. Review status: criteria provided, single submitter. Criteria: Ambry Variant Classification Scheme 2023. Collection method: clinical testing. Allele origin: germline.
Comment: The p.S1276* pathogenic mutation (also known as c.3827C>G), located in coding exon 15 of the APC gene, results from a C to G substitution at nucleotide position 3827. This changes the amino acid from a serine to a stop codon within coding exon 15. This mutation has been identified in numerous Familial Adenomatous Polyposis families in the literature (Giarola M et al. Hum. Mutat., 1999;13:116-23; Ripa R et al. Eur. J. Hum. Genet., 2002 Oct;10:631-7; Bisgaard ML et al. Hum. Mutat., 2004 May;23:522). In addition to the clinical data presented in the literature, this alteration is expected to result in loss of function by premature protein truncation. As such, this alteration is interpreted as a disease-causing mutation.

Mayo Clinic Laboratories, Mayo Clinic
Classification: Pathogenic. Review status: no assertion criteria provided. Collection method: clinical testing. Allele origin: unknown. Not counted in ClinVar's aggregate classification.

Literature cited by the submitters: PubMed 9452101 (cited by Labcorp Genetics (formerly Invitae), Labcorp); PubMed 10094547 (cited by Labcorp Genetics (formerly Invitae), Labcorp and Ambry Genetics); PubMed 15108286 (cited by Labcorp Genetics (formerly Invitae), Labcorp and Ambry Genetics); PubMed 15311282 (cited by Labcorp Genetics (formerly Invitae), Labcorp); PubMed 17293347 (cited by Labcorp Genetics (formerly Invitae), Labcorp); PubMed 9824584 (cited by Labcorp Genetics (formerly Invitae), Labcorp); PubMed 1316610 (cited by Labcorp Genetics (formerly Invitae), Labcorp); PubMed 27081525 (cited by Labcorp Genetics (formerly Invitae), Labcorp); PubMed 8381579 (cited by Labcorp Genetics (formerly Invitae), Labcorp); PubMed 22135120 (cited by Labcorp Genetics (formerly Invitae), Labcorp); PubMed 12357334 (cited by Ambry Genetics).